The following is an entry in ClinVar:

NM_000051.4(ATM):c.2594G>A (p.Ser865Asn)

Gene: ATM (ATM serine/threonine kinase; plus strand). Cytogenetic location: 11q22.3.
Variant type: single nucleotide variant.
Coding change: c.2594G>A on transcript NM_000051.4 (MANE Select); coding-DNA position 2594, G replaced by A.
Protein change: p.Ser865Asn; replaces serine 865 with asparagine.
Molecular consequence: missense variant.
Genome position (GRCh38, 1-based): chr11:108,267,298, G>A. VCF-style: chr11-108267298-G-A. GRCh37 (hg19) VCF-style: chr11-108138025-G-A.
Other names: c.2594G>A, p.Ser865Asn (NM_001351834.2); short protein forms S865N.
Identifiers: ClinVar variation 1355673 (VCV001355673.9), dbSNP rs1591588450, ClinGen allele CA382544053.
Genomic context (GRCh38, chr11:108,267,298, plus strand): 5'-ATCTAATGGAGGTGGAGGATCAGTCATCCATGAATCTATTTAACGATTACCCTGATAGTA[G>A]TGTTAGTGATGCAAACGAACCTGGAGAGAGCCAAAGTACCATAGGTAAATACATATTTAC-3'
Protein context (NP_000042.3, residues 855-875): MNLFNDYPDS[Ser865Asn]VSDANEPGES

ClinVar aggregate classification (germline): Uncertain significance. Review status: criteria provided, multiple submitters, no conflicts (2 of 4 stars). 4 submissions from 4 submitters: Uncertain significance (4). Last evaluated 2025-08-01.

Conditions:
Hereditary cancer-predisposing syndrome. Also called: Hereditary Cancer Syndrome; Hereditary neoplastic syndrome; Tumor predisposition; Neoplastic Syndromes, Hereditary. Identifiers: Orphanet 140162, MedGen C0027672, MeSH D009386, MONDO:0015356.
Ataxia-telangiectasia syndrome (AT). Also called: ATAXIA-TELANGIECTASIA, COMPLEMENTATION GROUP A; ATAXIA-TELANGIECTASIA, FRESNO VARIANT; Ataxia-telangiectasia; Ataxia-telangiectasia, complementation group D; Ataxia-telangiectasia, complementation group E; Ataxia telangiectasia (A-T). Identifiers: Orphanet 100, MedGen C0004135, MONDO:0008840, OMIM 208900.

Submissions (4):

Clinical Genomics Laboratory, Washington University in St. Louis
Classification: Uncertain significance for Ataxia-telangiectasia syndrome. Last evaluated: 2025-08-01. Review status: criteria provided, single submitter. Criteria: ACMG Guidelines, 2015. Collection method: clinical testing. Allele origin: germline.
Comment: The ATM c.2594G>A (p.Ser865Asn) variant has not been reported in the medical literature to our knowledge. This variant is absent from the general population (gnomAD v.2.1.1), indicating it is not a common variant. Computational predictors indicate that the variant does not impact ATM protein function. This variant has been submitted to ClinVar as a variant of uncertain significance by two laboratories (variation ID: 1355673). Due to limited information, and based on ACMG/AMP guidelines for variant interpretation (Richards S et al., PMID: 25741868), the clinical significance of this variant is uncertain at this time.

Labcorp Genetics (formerly Invitae), Labcorp
Classification: Uncertain significance for Ataxia-telangiectasia syndrome. Last evaluated: 2021-09-01. Review status: criteria provided, single submitter. Criteria: Invitae Variant Classification Sherloc (09022015). Collection method: clinical testing. Allele origin: germline.
Comment: This sequence change replaces serine with asparagine at codon 865 of the ATM protein (p.Ser865Asn). The serine residue is weakly conserved and there is a small physicochemical difference between serine and asparagine. This variant is not present in population databases (ExAC no frequency). This variant has not been reported in the literature in individuals affected with ATM-related conditions. Advanced modeling of protein sequence and biophysical properties (such as structural, functional, and spatial information, amino acid conservation, physicochemical variation, residue mobility, and thermodynamic stability) performed at Invitae indicates that this missense variant is not expected to disrupt ATM protein function. In summary, the available evidence is currently insufficient to determine the role of this variant in disease. Therefore, it has been classified as a Variant of Uncertain Significance.

Ambry Genetics
Classification: Uncertain significance for Hereditary cancer-predisposing syndrome. Last evaluated: 2021-03-23. Review status: criteria provided, single submitter. Criteria: Ambry Variant Classification Scheme 2023. Collection method: clinical testing. Allele origin: germline.
Comment: The p.S865N variant (also known as c.2594G>A), located in coding exon 16 of the ATM gene, results from a G to A substitution at nucleotide position 2594. The serine at codon 865 is replaced by asparagine, an amino acid with highly similar properties. This amino acid position is not well conserved in available vertebrate species. In addition, this alteration is predicted to be tolerated by in silico analysis. Since supporting evidence is limited at this time, the clinical significance of this alteration remains unclear.

ARUP Laboratories, Molecular Genetics and Genomics, ARUP Laboratories
Classification: Uncertain significance. Review status: criteria provided, single submitter. Criteria: ARUP Molecular Germline Variant Investigation Process 2024. Collection method: clinical testing. Allele origin: germline.